The following is an entry in ClinVar:

ClinVar aggregate classification (germline): Uncertain significance (1 of 4 stars; one submission).

Allele frequency attached by ClinVar (database versions not stated): gnomAD exomes 0.00004; ExAC 0.00008; gnomAD 0.00019; TOPMed 0.00020; ESP Exome Variant Server 0.00031; 1000 Genomes Project 0.00060; 1000 Genomes Project 30x 0.00062.
gnomAD v4.1: 88 of 1,613,680 alleles (0.0055%); highest among the groups gnomAD compares: African/African-American, 0.11%; no homozygotes.

Submission:

GeneDx
Classification: Uncertain significance. Last evaluated: 2023-03-14. Review status: criteria provided, single submitter. Criteria: GeneDx Variant Classification Process June 2021. Collection method: clinical testing. Allele origin: germline. Affected: yes.
Comment: In silico analysis supports that this missense variant does not alter protein structure/function; Has not been previously published as pathogenic or benign to our knowledge

NM_022095.4(ZNF335):c.2359T>A (p.Ser787Thr)

Gene: ZNF335 (zinc finger protein 335; minus strand). Cytogenetic location: 20q13.12.
Variant type: single nucleotide variant.
Coding change: c.2359T>A on transcript NM_022095.4 (MANE Select); coding-DNA position 2359, T replaced by A.
Protein change: p.Ser787Thr; replaces serine 787 with threonine.
Molecular consequence: missense variant.
Genome position (GRCh38, 1-based): chr20:45,957,669, A>T on the plus strand (T>A on the coding strand, the complement: ZNF335 is on the minus strand). VCF-style: chr20-45957669-A-T. GRCh37 (hg19) VCF-style: chr20-44586308-A-T.
Other names: short protein forms S787T.
Identifiers: ClinVar variation 2580040 (VCV002580040.1), dbSNP rs146982128, ClinGen allele CA9885384.